The following is an entry in ClinVar:

ClinVar aggregate classification (germline): Pathogenic (1 of 4 stars; one submission).

Submission:

GeneDx
Classification: Pathogenic. Last evaluated: 2020-12-21. Review status: criteria provided, single submitter. Criteria: GeneDx Variant Classification Process June 2021. Collection method: clinical testing. Allele origin: germline. Affected: yes.
Comment: Not observed in large population cohorts (Lek et al., 2016); In silico analysis supports that this missense variant has a deleterious effect on protein structure/function; Has not been previously published as pathogenic or benign to our knowledge

NM_001083962.2(TCF4):c.1831C>G (p.Leu611Val)

Gene: TCF4 (transcription factor 4; minus strand). Cytogenetic location: 18q21.2.
Variant type: single nucleotide variant.
Coding change: c.1831C>G on transcript NM_001083962.2 (MANE Select); coding-DNA position 1831, C replaced by G.
Protein change: p.Leu611Val; replaces leucine 611 with valine.
Molecular consequence: missense variant.
Genome position (GRCh38, 1-based): chr18:55,228,895, G>C on the plus strand (C>G on the coding strand, the complement: TCF4 is on the minus strand). VCF-style: chr18-55228895-G-C. GRCh37 (hg19) VCF-style: chr18-52896126-G-C.
Other names: c.2137C>G, p.Leu713Val (NM_001243226.3); c.1606C>G, p.Leu536Val (NM_001306208.1); c.1828C>G, p.Leu610Val (NM_001330604.3, NM_001369569.1, NM_001369570.1); c.1441C>G, p.Leu481Val (NM_001330605.3, NM_001348213.2); c.1759C>G, p.Leu587Val (NM_001243227.2, NM_001348217.1, NM_001348218.2 and 1 more transcripts); c.1849C>G, p.Leu617Val (NM_001243228.2); c.1810C>G, p.Leu604Val (NM_001243230.2); c.1693C>G, p.Leu565Val (NM_001243231.2); and 14 more; short protein forms L395V, L446V, L447V, L451V, L477V, L481V, L536V, L540V.
Identifiers: ClinVar variation 1199893 (VCV001199893.3), dbSNP rs1555710107, ClinGen allele CA402528422.
Genomic context (GRCh38, chr18:55,228,895, plus strand): 5'-GCCTGCACTGACCTCGGACTTGCTGCTCCAGACTGAGGATGACGGCCACCGCCTGGTGGA[G>C]GATCAGGAGCTTGGTCTGGGGCTTGTCACTCTTGAGGTGGAGCTGCACCATGCGGCCGAG-3'
Protein context (NP_001077431.1, residues 601-621): SDKPQTKLLI[Leu611Val]HQAVAVILSL